The following is an entry in ClinVar:

ClinVar aggregate classification (germline): Uncertain significance (1 of 4 stars; one submission).

Submission:

GeneDx
Classification: Uncertain significance. Last evaluated: 2024-09-30. Review status: criteria provided, single submitter. Criteria: GeneDx Variant Classification Process June 2021. Collection method: clinical testing. Allele origin: germline. Affected: yes.
Comment: Not observed at significant frequency in large population cohorts (gnomAD); In silico analysis supports that this missense variant has a deleterious effect on protein structure/function; Has not been previously published as pathogenic or benign to our knowledge

NM_198407.2(GHSR):c.254T>A (p.Met85Lys)

Gene: GHSR (growth hormone secretagogue receptor; minus strand). Cytogenetic location: 3q26.31.
Variant type: single nucleotide variant.
Coding change: c.254T>A on transcript NM_198407.2 (MANE Select); coding-DNA position 254, T replaced by A.
Protein change: p.Met85Lys; replaces methionine 85 with lysine.
Molecular consequence: missense variant.
Genome position (GRCh38, 1-based): chr3:172,448,160, A>T on the plus strand (T>A on the coding strand, the complement: GHSR is on the minus strand). VCF-style: chr3-172448160-A-T. GRCh37 (hg19) VCF-style: chr3-172165950-A-T.
Other names: c.254T>A, p.Met85Lys (NM_004122.2); short protein forms M85K.
Identifiers: ClinVar variation 3774891 (VCV003774891.1).
Genomic context (GRCh38, chr3:172,448,160, plus strand): 5'-TGCCAGAGGCGAACGAGGTCCAGGGGCATGCAGAGGAAGATGAGCAGATCGGAGAAGGCC[A>T]TGCTGGACAGGTAGAGGTTGGTGGTGGTGCGCAGCTCGCGGAAGCGCGACACCACCAGCA-3'
Protein context (NP_940799.1, residues 75-95): RTTTNLYLSS[Met85Lys]AFSDLLIFLC